The following is an entry in ClinVar:

NM_015272.5(RPGRIP1L):c.3271C>A (p.Pro1091Thr)

Gene: RPGRIP1L (RPGRIP1 like; minus strand). Cytogenetic location: 16q12.2.
Variant type: single nucleotide variant.
Coding change: c.3271C>A on transcript NM_015272.5 (MANE Select); coding-DNA position 3271, C replaced by A.
Protein change: p.Pro1091Thr; replaces proline 1091 with threonine.
Molecular consequence: missense variant.
Genome position (GRCh38, 1-based): chr16:53,636,462, G>T on the plus strand (C>A on the coding strand, the complement: RPGRIP1L is on the minus strand). VCF-style: chr16-53636462-G-T. GRCh37 (hg19) VCF-style: chr16-53670374-G-T.
Other names: c.3169C>A, p.Pro1057Thr (NM_001127897.4, NM_001330538.2); c.3271C>A, p.Pro1091Thr (NM_001308334.3); short protein forms P1091T, P1057T.
Identifiers: ClinVar variation 955544 (VCV000955544.7), dbSNP rs1436900505, ClinGen allele CA395925659.
Genomic context (GRCh38, chr16:53,636,462, plus strand): 5'-ATTTCAGAACATTTCTAGTTGGCATCAAGTTACTGACCTGTTTGATATTCTTGGAGATAG[G>T]ACCTGGAATAATACAGTCATCACTGTCAGAAGCTGACATGTCCTCTTCAACTGTTTAAAA-3'
Protein context (NP_056087.2, residues 1081-1101): SDSDDCIIPG[Pro1091Thr]ISKNIKQSLA

ClinVar aggregate classification (germline): Uncertain significance (1 of 4 stars; one submission).

Conditions:
Meckel-Gruber syndrome. Also called: Dysencephalia splachnocystica; DYSENCEPHALIA SPLANCHNOCYSTICA; GRUBER SYNDROME. Identifiers: Orphanet 564, MedGen C0265215, MONDO:0018921.
Joubert syndrome. Also called: Familial aplasia of the vermis; CEREBELLOPARENCHYMAL DISORDER IV; JOUBERT-BOLTSHAUSER SYNDROME. Identifiers: Orphanet 475, MedGen C5979921, MONDO:0018772.

Allele frequency attached by ClinVar (database versions not stated): gnomAD 0.00001.
gnomAD v4.1: 1 of 1,611,720 alleles (0.000062%); highest among the groups gnomAD compares: African/African-American, 0.0013%; no homozygotes.

Submission:

Labcorp Genetics (formerly Invitae), Labcorp
Classification: Uncertain significance for Joubert syndrome; Meckel-Gruber syndrome. Last evaluated: 2022-10-05. Review status: criteria provided, single submitter. Criteria: Invitae Variant Classification Sherloc (09022015). Collection method: clinical testing. Allele origin: germline.
Comment: This sequence change replaces proline, which is neutral and non-polar, with threonine, which is neutral and polar, at codon 1091 of the RPGRIP1L protein (p.Pro1091Thr). This variant is present in population databases (no rsID available, gnomAD 0.01%). This variant has not been reported in the literature in individuals affected with RPGRIP1L-related conditions. ClinVar contains an entry for this variant (Variation ID: 955544). Advanced modeling of protein sequence and biophysical properties (such as structural, functional, and spatial information, amino acid conservation, physicochemical variation, residue mobility, and thermodynamic stability) performed at Invitae indicates that this missense variant is not expected to disrupt RPGRIP1L protein function. Algorithms developed to predict the effect of sequence changes on RNA splicing suggest that this variant may create or strengthen a splice site. In summary, the available evidence is currently insufficient to determine the role of this variant in disease. Therefore, it has been classified as a Variant of Uncertain Significance.